The following is an entry in ClinVar:

ClinVar aggregate classification (germline): Uncertain significance (1 of 4 stars; one submission).

Conditions:
Hereditary sensory and autonomic neuropathy type 6. Also called: Neuropathy, hereditary sensory and autonomic, type VI; HSAN VI. Identifiers: Orphanet 314381, MedGen C3539003, MONDO:0013839, OMIM 614653.
Epidermolysis bullosa simplex 3, localized or generalized intermediate, with BP230 deficiency (EBS3). Also called: Epidermolysis bullosa simplex due to BP230 deficiency; Epidermolysis bullosa simplex, autosomal recessive 2. Identifiers: Orphanet 412181, MedGen C3809470, MONDO:0014180, OMIM 615425.

Allele frequency attached by ClinVar (database versions not stated): TOPMed below 0.00001; gnomAD exomes 0.00001.
gnomAD v4.1: 3 of 1,614,150 alleles (0.00019%); highest among the groups gnomAD compares: Non-Finnish European, 0.00025%; no homozygotes.

Submission:

Labcorp Genetics (formerly Invitae), Labcorp
Classification: Uncertain significance for Epidermolysis bullosa simplex 3, localized or generalized intermediate, with BP230 deficiency; Hereditary sensory and autonomic neuropathy type 6. Last evaluated: 2022-08-21. Review status: criteria provided, single submitter. Criteria: Invitae Variant Classification Sherloc (09022015). Collection method: clinical testing. Allele origin: germline.
Comment: Algorithms developed to predict the effect of missense changes on protein structure and function are either unavailable or do not agree on the potential impact of this missense change (SIFT: "Deleterious"; PolyPhen-2: "Possibly Damaging"; Align-GVGD: "Class C0"). In summary, the available evidence is currently insufficient to determine the role of this variant in disease. Therefore, it has been classified as a Variant of Uncertain Significance. This variant has not been reported in the literature in individuals affected with DST-related conditions. This variant is not present in population databases (gnomAD no frequency). This sequence change replaces cysteine, which is neutral and slightly polar, with tyrosine, which is neutral and polar, at codon 44 of the DST protein (p.Cys44Tyr).

NM_001723.7(DST):c.131G>A (p.Cys44Tyr)

Gene: DST (dystonin; minus strand). Cytogenetic location: 6p12.1.
Variant type: single nucleotide variant.
Coding change: c.131G>A on transcript NM_001723.7 (MANE Plus Clinical); coding-DNA position 131, G replaced by A.
Protein change: p.Cys44Tyr; replaces cysteine 44 with tyrosine.
Molecular consequence: missense variant. On other transcripts: intron variant (9).
Genome position (GRCh38, 1-based): chr6:56,642,658, C>T on the plus strand (G>A on the coding strand, the complement: DST is on the minus strand). VCF-style: chr6-56642658-C-T. GRCh37 (hg19) VCF-style: chr6-56507456-C-T.
Other names: c.131G>A, p.Cys44Tyr (NM_015548.5); c.1680-155G>A (NM_001144769.5); c.1779-155G>A (NM_001374722.1, NM_001374736.1); c.1806-155G>A (NM_001374734.1); c.1266-155G>A (NM_001144770.2); c.1146-155G>A (NM_001374730.1, NM_001386100.1, NM_183380.4 and 1 more transcripts); short protein forms C44Y.
Identifiers: ClinVar variation 2146952 (VCV002146952.3), dbSNP rs2098917807, ClinGen allele CA364615480.